The following is an entry in ClinVar:

NM_007254.4(PNKP):c.803A>G (p.His268Arg)

Gene: PNKP (polynucleotide kinase 3'-phosphatase; minus strand). Cytogenetic location: 19q13.33.
Variant type: single nucleotide variant.
Coding change: c.803A>G on transcript NM_007254.4 (MANE Select); coding-DNA position 803, A replaced by G.
Protein change: p.His268Arg; replaces histidine 268 with arginine.
Molecular consequence: missense variant.
Genome position (GRCh38, 1-based): chr19:49,863,702, T>C on the plus strand (A>G on the coding strand, the complement: PNKP is on the minus strand). VCF-style: chr19-49863702-T-C. GRCh37 (hg19) VCF-style: chr19-50366959-T-C.
Other names: short protein forms H268R.
Identifiers: ClinVar variation 1761756 (VCV001761756.2), dbSNP rs2514638619, ClinGen allele CA406883775.
Genomic context (GRCh38, chr19:49,863,702, plus strand): 5'-GCTGGAGTGAGGAAAAGGAGGGGGGCCGGGCAGGCTGCAAGACTCACCTGCTCCTGCAGA[T>C]GGTCCCACATGCCCGTCACCGGCTTCCGGTACAAGCCTGCGTGCGTGGCCACCAGCACCT-3'
Protein context (NP_009185.2, residues 258-278): YRKPVTGMWD[His268Arg]LQEQANDGTP

ClinVar aggregate classification (germline): Uncertain significance (1 of 4 stars; one submission).

Conditions:
Inborn genetic diseases. Identifiers: MedGen C0950123, MeSH D030342.

Submission:

Ambry Genetics
Classification: Uncertain significance for Inborn genetic diseases. Last evaluated: 2018-07-10. Review status: criteria provided, single submitter. Criteria: Ambry Variant Classification Scheme 2023. Collection method: clinical testing. Allele origin: germline.
Comment: The p.H268R variant (also known as c.803A>G), located in coding exon 7 of the PNKP gene, results from an A to G substitution at nucleotide position 803. The histidine at codon 268 is replaced by arginine, an amino acid with highly similar properties. This amino acid position is well conserved in available vertebrate species. In addition, this alteration is predicted to be tolerated by in silico analysis. Since supporting evidence is limited at this time, the clinical significance of this alteration remains unclear.